The following is an entry in ClinVar:

NM_018942.3(HMX1):c.461G>A (p.Gly154Asp)

Gene: HMX1 (H6 family homeobox 1; minus strand). Cytogenetic location: 4p16.1.
Variant type: single nucleotide variant.
Coding change: c.461G>A on transcript NM_018942.3 (MANE Select); coding-DNA position 461, G replaced by A.
Protein change: p.Gly154Asp; replaces glycine 154 with aspartic acid.
Molecular consequence: missense variant. On other transcripts: intron variant (1).
Genome position (GRCh38, 1-based): chr4:8,868,279, C>T on the plus strand (G>A on the coding strand, the complement: HMX1 is on the minus strand). VCF-style: chr4-8868279-C-T. GRCh37 (hg19) VCF-style: chr4-8870005-C-T.
Other names: c.394+2942G>A (NM_001306142.2); c.461G>A (NM_018942.2); short protein forms G154D.
Identifiers: ClinVar variation 1478259 (VCV001478259.7), dbSNP rs1722094121, ClinGen allele CA356278563.

ClinVar aggregate classification (germline): Uncertain significance. Review status: criteria provided, multiple submitters, no conflicts (2 of 4 stars). 2 submissions from 2 submitters: Uncertain significance (2). Last evaluated 2026-05-26.

Conditions:
Inborn genetic diseases. Identifiers: MedGen C0950123, MeSH D030342.

Allele frequency attached by ClinVar (database versions not stated): TOPMed below 0.00001.

Submissions (2):

Ambry Genetics
Classification: Uncertain significance for Inborn genetic diseases. Last evaluated: 2026-05-26. Review status: criteria provided, single submitter. Criteria: Ambry Variant Classification Scheme 2023. Collection method: clinical testing. Allele origin: germline.

Labcorp Genetics (formerly Invitae), Labcorp
Classification: Uncertain significance. Last evaluated: 2022-09-27. Review status: criteria provided, single submitter. Criteria: Invitae Variant Classification Sherloc (09022015). Collection method: clinical testing. Allele origin: germline.
Comment: In summary, the available evidence is currently insufficient to determine the role of this variant in disease. Therefore, it has been classified as a Variant of Uncertain Significance. Advanced modeling of protein sequence and biophysical properties (such as structural, functional, and spatial information, amino acid conservation, physicochemical variation, residue mobility, and thermodynamic stability) performed at Invitae indicates that this missense variant is not expected to disrupt HMX1 protein function. ClinVar contains an entry for this variant (Variation ID: 1478259). This variant has not been reported in the literature in individuals affected with HMX1-related conditions. This variant is not present in population databases (gnomAD no frequency). This sequence change replaces glycine, which is neutral and non-polar, with aspartic acid, which is acidic and polar, at codon 154 of the HMX1 protein (p.Gly154Asp).